The following is an entry in ClinVar:

ClinVar aggregate classification (germline): Uncertain significance (1 of 4 stars; one submission).

Conditions:
Cardiomyopathy (CMYO). Also called: Cardiomyopathies. Identifiers: Orphanet 167848, MedGen C0878544, MONDO:0004994, HP:0001638. Inheritance: Various modes of inheritance.

Allele frequency attached by ClinVar (database versions not stated): gnomAD exomes below 0.00001.
gnomAD v4.1: 4 of 1,592,734 alleles (0.00025%); highest among the groups gnomAD compares: Non-Finnish European, 0.000086%; no homozygotes.

Submission:

Color Diagnostics, LLC DBA Color Health
Classification: Uncertain significance for Cardiomyopathy. Last evaluated: 2019-11-11. Review status: criteria provided, single submitter. Criteria: ACMG Guidelines, 2015. Collection method: clinical testing. Allele origin: germline.
Comment: This missense variant replaces methionine with lysine at codon 3978 of the RYR2 protein. Computational prediction suggests that this variant may have deleterious impact on protein structure and function (internally defined REVEL score threshold >= 0.7, PMID: 27666373). Splice site prediction tools suggest that this variant may not impact RNA splicing. To our knowledge, functional studies have not been performed for this variant. This variant has not been reported in individuals affected with cardiovascular disorders in the literature. This variant has not been identified in the general population by the Genome Aggregation Database (gnomAD). The available evidence is insufficient to determine the role of this variant in disease conclusively. Therefore, this variant is classified as a Variant of Uncertain Significance.

NM_001035.3(RYR2):c.11933T>A (p.Met3978Lys)

Gene: RYR2 (ryanodine receptor 2; plus strand). Cytogenetic location: 1q43.
Variant type: single nucleotide variant.
Coding change: c.11933T>A on transcript NM_001035.3 (MANE Select); coding-DNA position 11933, T replaced by A.
Protein change: p.Met3978Lys; replaces methionine 3978 with lysine.
Molecular consequence: missense variant.
Genome position (GRCh38, 1-based): chr1:237,781,617, T>A. VCF-style: chr1-237781617-T-A. GRCh37 (hg19) VCF-style: chr1-237944917-T-A.
Other names: short protein forms M3978K.
Identifiers: ClinVar variation 920326 (VCV000920326.3), dbSNP rs1695116818, ClinGen allele CA345410155.